The following is an entry in ClinVar:

ClinVar aggregate classification (germline): Uncertain significance (1 of 4 stars; one submission).

Submission:

CeGaT Center for Human Genetics Tuebingen
Classification: Uncertain significance. Last evaluated: 2024-03-01. Review status: criteria provided, single submitter. Criteria: CeGaT Center For Human Genetics Tuebingen Variant Classification Criteria Version 2. Collection method: clinical testing. Allele origin: germline. Affected: yes. Observed: 1 variant allele.
Comment: TBX22: PM2

NM_001109878.2(TBX22):c.906_907delinsGC (p.Ser303Pro)

Gene: TBX22 (T-box transcription factor 22). Cytogenetic location: Xq21.1.
Variant type: Indel.
Coding change: c.906_907delinsGC on transcript NM_001109878.2 (MANE Select); coding-DNA positions 906 to 907, the reference bases replaced by GC.
Protein change: p.Ser303Pro; replaces serine 303 with proline.
Molecular consequence: missense variant.
Genome position: GRCh38 VCF-style: chrX-80028033-TT-GC. GRCh37 (hg19) VCF-style: chrX-79283532-TT-GC.
Other names: c.546_547delinsGC, p.Ser183Pro (NM_001109879.2, NM_001303475.1); c.906_907delinsGC, p.Ser303Pro (NM_016954.2); short protein forms S183P, S303P.
Identifiers: ClinVar variation 3067805 (VCV003067805.21), dbSNP rs2519862281, ClinGen allele CA2825002962.
Genomic context (GRCh38, chrX:80,028,033, plus strand): 5'-GTTGACTCTCTTTTTTAGGGGTGTATTGGATGGGCTTTTAGAGACCTACCCATGGAGGCC[TT>GC]CTTTCACTCTCGATTTTAAAACCTTTGGCGCAGACACACAAAGTAAGAAAACTTGGAACG-3'
Protein context (NP_001103348.1, residues 293-313): GLLETYPWRP[Ser303Pro]FTLDFKTFGA